The following is an entry in ClinVar:

NM_130837.3(OPA1):c.2544T>A (p.Asn848Lys)

Gene: OPA1 (OPA1 mitochondrial dynamin like GTPase; plus strand). Cytogenetic location: 3q29.
Variant type: single nucleotide variant.
Coding change: c.2544T>A on transcript NM_130837.3 (MANE Select); coding-DNA position 2544, T replaced by A.
Protein change: p.Asn848Lys; replaces asparagine 848 with lysine.
Molecular consequence: missense variant.
Genome position (GRCh38, 1-based): chr3:193,662,845, T>A. VCF-style: chr3-193662845-T-A. GRCh37 (hg19) VCF-style: chr3-193380634-T-A.
Other names: c.2010T>A, p.Asn670Lys (NM_001354663.2); c.2007T>A, p.Asn669Lys (NM_001354664.2); c.2379T>A, p.Asn793Lys (NM_015560.3); c.2271T>A, p.Asn757Lys (NM_130831.3); c.2325T>A, p.Asn775Lys (NM_130832.3); c.2382T>A, p.Asn794Lys (NM_130833.3); c.2433T>A, p.Asn811Lys (NM_130834.3); c.2436T>A, p.Asn812Lys (NM_130835.3); and 1 more; short protein forms N669K, N670K, N757K, N775K, N793K, N794K, N811K, N812K.
Identifiers: ClinVar variation 1320726 (VCV001320726.10), dbSNP rs758248456, ClinGen allele CA2759697.

ClinVar aggregate classification (germline): Conflicting classifications of pathogenicity. Review status: criteria provided, conflicting classifications (1 of 4 stars). 2 submissions from 2 submitters: Uncertain significance (1); Likely benign (1). Last evaluated 2025-06-23.

Allele frequency attached by ClinVar (database versions not stated): ExAC 0.00003; TOPMed 0.00003; gnomAD exomes 0.00005.
gnomAD v4.1: 24 of 1,613,302 alleles (0.0015%); highest among the groups gnomAD compares: East Asian, 0.031%; no homozygotes.

Submissions (2):

Labcorp Genetics (formerly Invitae), Labcorp
Classification: Likely benign. Last evaluated: 2025-06-23. Review status: criteria provided, single submitter. Criteria: Invitae Variant Classification Sherloc (09022015). Collection method: clinical testing. Allele origin: germline.

GeneDx
Classification: Uncertain significance. Last evaluated: 2023-11-16. Review status: criteria provided, single submitter. Criteria: GeneDx Variant Classification Process June 2021. Collection method: clinical testing. Allele origin: germline. Affected: yes.
Comment: In silico analysis supports that this missense variant has a deleterious effect on protein structure/function; Has not been previously published as pathogenic or benign to our knowledge; This variant is associated with the following publications: (PMID: 33884488)